The following is an entry in ClinVar:

ClinVar aggregate classification (germline): Pathogenic. Review status: criteria provided, multiple submitters, no conflicts (2 of 4 stars). 2 submissions from 2 submitters: Pathogenic (2). Last evaluated 2024-11-07.

Conditions:
Congenital anomalies of kidney and urinary tract syndrome with or without hearing loss, abnormal ears, or developmental delay. Also called: Congenital Anomalies of the Kidney and Urinary Tract syndrome with or without Hearing Loss, Abnormal Ears, or Developmental Delay. Identifiers: Orphanet 656130, MedGen C4539968, MONDO:0060549, OMIM 617641.

Submissions (2):

Molecular Genetics Laboratory, Motol Hospital
Classification: Pathogenic for Congenital anomalies of kidney and urinary tract syndrome with or without hearing loss, abnormal ears, or developmental delay. Last evaluated: 2024-11-07. Review status: criteria provided, single submitter. Criteria: ACMG Guidelines, 2015. Collection method: clinical testing. Allele origin: de novo. Affected: yes. Observed: 1 variant allele.
Comment: The variant was confirmed to be of a de novo origin. Rare variants altering the canonical donor splice sites in the PBX1 gene are well documented as a molecular cause of congenital anomalies of kidney and urinary tract syndrome with or without hearing loss, abnormal ears, or developmental delay (CAKUTHED) (OMIM:617641) (PMID:37571997;28270404;29036646;28566479). To conclude, the variant is classified as pathogenic (ACMG PVS1, PM2, PS2).

Institute of Human Genetics Munich, TUM University Hospital
Classification: Pathogenic for Congenital anomalies of kidney and urinary tract syndrome with or without hearing loss, abnormal ears, or developmental delay. Last evaluated: 2024-04-11. Review status: criteria provided, single submitter. Criteria: Classification criteria August 2017. Collection method: clinical testing. Allele origin: de novo. Inheritance: Autosomal dominant inheritance. Affected: yes. Observed: 1 variant allele.

Literature cited by the submitters: PubMed 37571997 (cited by Molecular Genetics Laboratory, Motol Hospital); PubMed 28270404 (cited by Molecular Genetics Laboratory, Motol Hospital); PubMed 29036646 (cited by Molecular Genetics Laboratory, Motol Hospital); PubMed 28566479 (cited by Molecular Genetics Laboratory, Motol Hospital).

NM_002585.4(PBX1):c.191+1G>A

Gene: PBX1 (PBX homeobox 1; plus strand). Cytogenetic location: 1q23.3.
Variant type: single nucleotide variant.
Coding change: c.191+1G>A on transcript NM_002585.4 (MANE Select); the canonical splice donor site of the intron after coding-DNA position 191, G replaced by A.
Molecular consequence: splice donor variant.
Genome position (GRCh38, 1-based): chr1:164,560,014, G>A. VCF-style: chr1-164560014-G-A. GRCh37 (hg19) VCF-style: chr1-164529251-G-A.
Other names: c.191+1G>A (NM_001353131.2, NM_001204961.2, NM_001204963.2); c.16+1G>A (NM_001353130.1).
Identifiers: ClinVar variation 3374741 (VCV003374741.7).